The following is an entry in ClinVar:

NM_019892.6(INPP5E):c.255C>T (p.Ser85=)

Gene: INPP5E (inositol polyphosphate-5-phosphatase E; minus strand). Cytogenetic location: 9q34.3.
Variant type: single nucleotide variant.
Coding change: c.255C>T on transcript NM_019892.6 (MANE Select); coding-DNA position 255, C replaced by T.
Protein change: p.Ser85=; no amino-acid change (serine 85 retained).
Molecular consequence: synonymous variant.
Genome position (GRCh38, 1-based): chr9:136,439,165, G>A on the plus strand (C>T on the coding strand, the complement: INPP5E is on the minus strand). VCF-style: chr9-136439165-G-A. GRCh37 (hg19) VCF-style: chr9-139333617-G-A.
Other names: c.255C>T (NM_019892.5); c.255C>T, p.Ser85= (NM_001318502.2).
Identifiers: ClinVar variation 1080167 (VCV001080167.12), dbSNP rs776746807, ClinGen allele CA201649233.
Genomic context (GRCh38, chr9:136,439,165, plus strand): 5'-GGCTTCCAGGTCCTCCTGGCTGCCTCGAAAACGCCTCCTCCTCCAGCCCTTGTCGTCCAG[G>A]GACAGGGCTCGCTCCAGTCGAGGCCTGGCGGGGGGCCGCGGGGCGATGGGTGCTGCTCGG-3'
Protein context (NP_063945.2, residues 75-95): PARPRLERAL[Ser85=]LDDKGWRRRR

ClinVar aggregate classification (germline): Likely benign. Review status: criteria provided, multiple submitters, no conflicts (2 of 4 stars). 3 submissions from 3 submitters: Likely benign (2). 1 of the submissions does not count toward it. Last evaluated 2024-09-13.

Conditions:
INPP5E-related disorder. Also called: INPP5E-related condition.
Joubert syndrome. Also called: JOUBERT-BOLTSHAUSER SYNDROME; Familial aplasia of the vermis. Identifiers: Orphanet 475, MedGen C5979921, MONDO:0018772.

Allele frequency attached by ClinVar (database versions not stated): TOPMed 0.00002.
gnomAD v4.1: 19 of 1,567,562 alleles (0.0012%); highest among the groups gnomAD compares: Non-Finnish European, 0.0015%; no homozygotes.

Submissions (3):

Blueprint Genetics
Classification: Likely benign. Last evaluated: 2024-09-13. Review status: criteria provided, single submitter. Criteria: ACMG Guidelines, 2015. Collection method: clinical testing. Allele origin: germline.

Labcorp Genetics (formerly Invitae), Labcorp
Classification: Likely benign for Joubert syndrome. Last evaluated: 2024-06-24. Review status: criteria provided, single submitter. Criteria: Invitae Variant Classification Sherloc (09022015). Collection method: clinical testing. Allele origin: germline.

PreventionGenetics, part of Exact Sciences
Classification: Likely benign for INPP5E-related condition. Last evaluated: 2024-02-22. Review status: no assertion criteria provided. Collection method: clinical testing. Allele origin: germline. Not counted in ClinVar's aggregate classification.
Comment: This variant is classified as likely benign based on ACMG/AMP sequence variant interpretation guidelines (Richards et al. 2015 PMID: 25741868, with internal and published modifications).